The following is an entry in ClinVar:

ClinVar aggregate classification (germline): Uncertain significance. Review status: criteria provided, multiple submitters, no conflicts (2 of 4 stars). 2 submissions from 2 submitters: Uncertain significance (2). Last evaluated 2025-08-09.

Conditions:
Baller-Gerold syndrome (BGS). Also called: CRANIOSYNOSTOSIS WITH RADIAL DEFECTS. Identifiers: Orphanet 1225, MedGen C0265308, MONDO:0009039, OMIM 218600.
Inborn genetic diseases. Identifiers: MedGen C0950123, MeSH D030342.

Allele frequency attached by ClinVar (database versions not stated): gnomAD exomes below 0.00001 and 0.00001; gnomAD 0.00002; TOPMed 0.00004.
gnomAD v4.1: 5 of 1,613,038 alleles (0.00031%); highest among the groups gnomAD compares: African/African-American, 0.004%; no homozygotes.

Submissions (2):

Ambry Genetics
Classification: Uncertain significance for Inborn genetic diseases. Last evaluated: 2025-08-09. Review status: criteria provided, single submitter. Criteria: Ambry Variant Classification Scheme 2023. Collection method: clinical testing. Allele origin: germline.

Labcorp Genetics (formerly Invitae), Labcorp
Classification: Uncertain significance for Baller-Gerold syndrome. Last evaluated: 2024-03-04. Review status: criteria provided, single submitter. Criteria: Invitae Variant Classification Sherloc (09022015). Collection method: clinical testing. Allele origin: germline.
Comment: This sequence change replaces proline, which is neutral and non-polar, with leucine, which is neutral and non-polar, at codon 299 of the RECQL4 protein (p.Pro299Leu). This variant is present in population databases (no rsID available, gnomAD 0.006%). This variant has not been reported in the literature in individuals affected with RECQL4-related conditions. ClinVar contains an entry for this variant (Variation ID: 851156). Advanced modeling of protein sequence and biophysical properties (such as structural, functional, and spatial information, amino acid conservation, physicochemical variation, residue mobility, and thermodynamic stability) performed at Invitae indicates that this missense variant is not expected to disrupt RECQL4 protein function with a negative predictive value of 80%. In summary, the available evidence is currently insufficient to determine the role of this variant in disease. Therefore, it has been classified as a Variant of Uncertain Significance.

NM_004260.4(RECQL4):c.896C>T (p.Pro299Leu)

Gene: RECQL4 (RecQ like helicase 4; minus strand). Cytogenetic location: 8q24.3.
Variant type: single nucleotide variant.
Coding change: c.896C>T on transcript NM_004260.4 (MANE Select); coding-DNA position 896, C replaced by T.
Protein change: p.Pro299Leu; replaces proline 299 with leucine.
Molecular consequence: missense variant.
Genome position (GRCh38, 1-based): chr8:144,516,223, G>A on the plus strand (C>T on the coding strand, the complement: RECQL4 is on the minus strand). VCF-style: chr8-144516223-G-A. GRCh37 (hg19) VCF-style: chr8-145741607-G-A.
Other names: short protein forms P299L.
Identifiers: ClinVar variation 851156 (VCV000851156.7), dbSNP rs1421975384, ClinGen allele CA372688733.